The following is an entry in ClinVar:

ClinVar aggregate classification (germline): Likely benign. Review status: criteria provided, multiple submitters, no conflicts (2 of 4 stars). 2 submissions from 2 submitters: Likely benign (2). Last evaluated 2018-06-14.

Allele frequency attached by ClinVar (database versions not stated): TOPMed 0.00333; 1000 Genomes Project 30x 0.00359; 1000 Genomes Project 0.00399; gnomAD 0.00678 and 0.00687; gnomAD exomes 0.00806.
gnomAD v4.1: 7,063 of 909,360 alleles (0.78%); highest among the groups gnomAD compares: Non-Finnish European, 0.7%; 60 homozygotes.

Submissions (2):

GeneDx
Classification: Likely benign. Last evaluated: 2018-06-14. Review status: criteria provided, single submitter. Criteria: GeneDx Variant Classification (06012015). Collection method: clinical testing. Allele origin: germline. Affected: yes.
Comment: This variant is considered likely benign or benign based on one or more of the following criteria: it is a conservative change, it occurs at a poorly conserved position in the protein, it is predicted to be benign by multiple in silico algorithms, and/or has population frequency not consistent with disease.

Breakthrough Genomics
Classification: Likely benign. Review status: criteria provided, single submitter. Criteria: ACMG Guidelines, 2015. Collection method: not provided. Allele origin: germline. Inheritance: Autosomal dominant inheritance. Affected: yes.

NM_000393.5(COL5A2):c.3309+100C>T

Gene: COL5A2 (collagen type V alpha 2 chain; minus strand). Cytogenetic location: 2q32.2.
Variant type: single nucleotide variant.
Coding change: c.3309+100C>T on transcript NM_000393.5 (MANE Select); 100 bases into the intron after coding-DNA position 3309, C replaced by T.
Molecular consequence: intron variant.
Genome position (GRCh38, 1-based): chr2:189,045,700, G>A on the plus strand (C>T on the coding strand, the complement: COL5A2 is on the minus strand). VCF-style: chr2-189045700-G-A. GRCh37 (hg19) VCF-style: chr2-189910426-G-A.
Identifiers: ClinVar variation 675461 (VCV000675461.2), dbSNP rs79111113, ClinGen allele CA62589877.